The following is an entry in ClinVar:

ClinVar aggregate classification (germline): Uncertain significance (1 of 4 stars; one submission).

Conditions:
DOCK2 deficiency. Also called: Immunodeficiency 40. Identifiers: Orphanet 447737, MedGen C4225328, MONDO:0014637, OMIM 616433.

Submission:

Labcorp Genetics (formerly Invitae), Labcorp
Classification: Uncertain significance for DOCK2 deficiency. Last evaluated: 2024-03-04. Review status: criteria provided, single submitter. Criteria: Invitae Variant Classification Sherloc (09022015). Collection method: clinical testing. Allele origin: germline.
Comment: This sequence change replaces phenylalanine, which is neutral and non-polar, with leucine, which is neutral and non-polar, at codon 19 of the DOCK2 protein (p.Phe19Leu). This variant is not present in population databases (gnomAD no frequency). This variant has not been reported in the literature in individuals affected with DOCK2-related conditions. ClinVar contains an entry for this variant (Variation ID: 2000716). An algorithm developed to predict the effect of missense changes on protein structure and function (PolyPhen-2) suggests that this variant is likely to be disruptive. In summary, the available evidence is currently insufficient to determine the role of this variant in disease. Therefore, it has been classified as a Variant of Uncertain Significance.

NM_004946.3(DOCK2):c.57C>G (p.Phe19Leu)

Gene: DOCK2 (dedicator of cytokinesis 2; plus strand). Cytogenetic location: 5q35.1.
Variant type: single nucleotide variant.
Coding change: c.57C>G on transcript NM_004946.3 (MANE Select); coding-DNA position 57, C replaced by G.
Protein change: p.Phe19Leu; replaces phenylalanine 19 with leucine.
Molecular consequence: missense variant. On other transcripts: non-coding transcript variant (1).
Genome position (GRCh38, 1-based): chr5:169,654,416, C>G. VCF-style: chr5-169654416-C-G. GRCh37 (hg19) VCF-style: chr5-169081420-C-G.
Other names: short protein forms F19L.
Identifiers: ClinVar variation 2000716 (VCV002000716.4), dbSNP rs2532379042, ClinGen allele CA362104436.